The following is an entry in ClinVar:

NM_001330701.2(AGTPBP1):c.2843G>A (p.Arg948Gln)

Gene: AGTPBP1 (ATP/GTP binding carboxypeptidase 1; minus strand). Cytogenetic location: 9q21.33.
Variant type: single nucleotide variant.
Coding change: c.2843G>A on transcript NM_001330701.2 (MANE Select); coding-DNA position 2843, G replaced by A.
Protein change: p.Arg948Gln; replaces arginine 948 with glutamine.
Molecular consequence: missense variant.
Genome position (GRCh38, 1-based): chr9:85,588,358, C>T on the plus strand (G>A on the coding strand, the complement: AGTPBP1 is on the minus strand). VCF-style: chr9-85588358-C-T. GRCh37 (hg19) VCF-style: chr9-88203273-C-T.
Other names: c.2999G>A, p.Arg1000Gln (NM_001286715.1); c.2879G>A, p.Arg960Gln (NM_001286717.1); c.2723G>A, p.Arg908Gln (NM_015239.3); short protein forms R908Q, R948Q, R1000Q, R960Q.
Identifiers: ClinVar variation 1029297 (VCV001029297.1), dbSNP rs1828746127, ClinGen allele CA373914112.
Genomic context (GRCh38, chr9:85,588,358, plus strand): 5'-TTTCCATTGATGACACCATCTGGATTTAACATAGGGACAATTTTAAAAATATAAGATTCT[C>T]GTAAGCTCTGAGCAGTGGGGTTATTGCTCATGAGATATTCCAACGTTCCTTTCATAACCC-3'
Protein context (NP_001317630.1, residues 938-958): MSNNPTAQSL[Arg948Gln]ESYIFKIVPM

ClinVar aggregate classification (germline): Uncertain significance (1 of 4 stars; one submission).

Conditions:
Neurodegeneration, childhood-onset, with cerebellar atrophy. Identifiers: MedGen C4748934, MONDO:0032650, OMIM 618276.

Submission:

Baylor Genetics
Classification: Uncertain significance for Neurodegeneration, childhood-onset, with cerebellar atrophy. Last evaluated: 2020-06-03. Review status: criteria provided, single submitter. Criteria: ACMG Guidelines, 2015. Collection method: clinical testing. Allele origin: unknown. Affected: yes.
Comment: This variant was determined to be of uncertain significance according to ACMG Guidelines, 2015 [PMID:25741868].